The following is an entry in ClinVar:

ClinVar aggregate classification (germline): Uncertain significance (1 of 4 stars; one submission).

Conditions:
Hereditary cancer-predisposing syndrome. Also called: Neoplastic Syndromes, Hereditary; Hereditary Cancer Syndrome; Tumor predisposition; Hereditary neoplastic syndrome. Identifiers: Orphanet 140162, MedGen C0027672, MeSH D009386, MONDO:0015356.

Submission:

Ambry Genetics
Classification: Uncertain significance for Hereditary cancer-predisposing syndrome. Last evaluated: 2025-01-19. Review status: criteria provided, single submitter. Criteria: Ambry Variant Classification Scheme 2023. Collection method: clinical testing. Allele origin: germline.
Comment: The p.Q100P variant (also known as c.299A>C), located in coding exon 3 of the TSC1 gene, results from an A to C substitution at nucleotide position 299. The glutamine at codon 100 is replaced by proline, an amino acid with similar properties. This amino acid position is conserved. In addition, this alteration is predicted to be deleterious by in silico analysis. Based on the available evidence, the clinical significance of this variant remains unclear.

NM_000368.5(TSC1):c.299A>C (p.Gln100Pro)

Gene: TSC1 (TSC complex subunit 1; minus strand). Cytogenetic location: 9q34.13.
Variant type: single nucleotide variant.
Coding change: c.299A>C on transcript NM_000368.5 (MANE Select); coding-DNA position 299, A replaced by C.
Protein change: p.Gln100Pro; replaces glutamine 100 with proline.
Molecular consequence: missense variant. On other transcripts: non-coding transcript variant (5), intron variant (5), 5 prime UTR variant (18).
Genome position (GRCh38, 1-based): chr9:132,925,651, T>G on the plus strand (A>C on the coding strand, the complement: TSC1 is on the minus strand). VCF-style: chr9-132925651-T-G. GRCh37 (hg19) VCF-style: chr9-135801038-T-G.
Other names: c.210+1550A>C (NM_001406613.1, NM_001406612.1, NM_001406610.1 and 2 more transcripts); c.299A>C, p.Gln100Pro (NM_001162426.2, NM_001406592.1, NM_001406593.1 and 16 more transcripts); c.-65A>C (NM_001362177.2, NM_001406617.1, NM_001406618.1 and 5 more transcripts); c.-157A>C (NM_001406614.1, NM_001406616.1, NM_001406624.1); c.-190A>C (NM_001406615.1, NM_001406623.1); c.-579A>C (NM_001406626.1, NM_001406627.1, NM_001406628.1); c.-721A>C (NM_001406629.1); c.-795A>C (NM_001406630.1); short protein forms Q100P.
Identifiers: ClinVar variation 3811244 (VCV003811244.1).